The following is an entry in ClinVar:

ClinVar aggregate classification (germline): Uncertain significance (1 of 4 stars; one submission).

Submission:

GeneDx
Classification: Uncertain significance. Last evaluated: 2025-01-24. Review status: criteria provided, single submitter. Criteria: GeneDx Variant Classification Process June 2021. Collection method: clinical testing. Allele origin: germline. Affected: yes.
Comment: Not observed at significant frequency in large population cohorts (gnomAD); In silico analysis supports that this missense variant has a deleterious effect on protein structure/function; Has not been previously published as pathogenic or benign to our knowledge

NM_004606.5(TAF1):c.3490C>T (p.Arg1164Cys)

Gene: TAF1 (TATA-box binding protein associated factor 1; plus strand). Cytogenetic location: Xq13.1.
Variant type: single nucleotide variant.
Coding change: c.3490C>T on transcript NM_004606.5 (MANE Select); coding-DNA position 3490, C replaced by T.
Protein change: p.Arg1164Cys; replaces arginine 1164 with cysteine.
Molecular consequence: missense variant. On other transcripts: non-coding transcript variant (9).
Genome position (GRCh38, 1-based): chrX:71,397,336, C>T. VCF-style: chrX-71397336-C-T. GRCh37 (hg19) VCF-style: chrX-70617186-C-T.
Other names: c.3490C>T, p.Arg1164Cys (NM_001286074.2); c.3427C>T, p.Arg1143Cys (NM_138923.4); short protein forms R1143C, R1164C.
Identifiers: ClinVar variation 1308533 (VCV001308533.3), dbSNP rs2148409064, ClinGen allele CA413530520.